The following is an entry in ClinVar:

ClinVar aggregate classification (germline): Uncertain significance (1 of 4 stars; one submission).

Submission:

Ambry Genetics
Classification: Uncertain significance. Last evaluated: 2025-09-10. Review status: criteria provided, single submitter. Criteria: Ambry Variant Classification Scheme 2023. Collection method: clinical testing. Allele origin: germline.
Comment: The p.I168F variant (also known as c.502A>T), located in coding exon 1 of the MC1R gene, results from an A to T substitution at nucleotide position 502. The isoleucine at codon 168 is replaced by phenylalanine, an amino acid with highly similar properties. This amino acid position is conserved. In addition, this alteration is predicted to be tolerated by in silico analysis. Based on the available evidence, the clinical significance of this variant remains unclear.

NM_002386.4(MC1R):c.502A>T (p.Ile168Phe)

Gene: MC1R (melanocortin 1 receptor; plus strand). Cytogenetic location: 16q24.3.
Variant type: single nucleotide variant.
Coding change: c.502A>T on transcript NM_002386.4 (MANE Select); coding-DNA position 502, A replaced by T.
Protein change: p.Ile168Phe; replaces isoleucine 168 with phenylalanine.
Molecular consequence: missense variant.
Genome position (GRCh38, 1-based): chr16:89,919,760, A>T. VCF-style: chr16-89919760-A-T. GRCh37 (hg19) VCF-style: chr16-89986168-A-T.
Other names: short protein forms I168F.
Identifiers: ClinVar variation 4104885 (VCV004104885.1).